The following is an entry in ClinVar:

ClinVar aggregate classification (germline): Uncertain significance (1 of 4 stars; one submission).

Conditions:
DICER1-related tumor predisposition. Also called: DICER1-related pleuropulmonary blastoma cancer predisposition syndrome; DICER1 syndrome. Identifiers: Orphanet 284343, MedGen C3839822, MONDO:0100216.

Submission:

Labcorp Genetics (formerly Invitae), Labcorp
Classification: Uncertain significance for DICER1-related tumor predisposition. Last evaluated: 2023-04-15. Review status: criteria provided, single submitter. Criteria: Invitae Variant Classification Sherloc (09022015). Collection method: clinical testing. Allele origin: germline.
Comment: This sequence change replaces alanine, which is neutral and non-polar, with proline, which is neutral and non-polar, at codon 207 of the DICER1 protein (p.Ala207Pro). This variant is not present in population databases (gnomAD no frequency). This variant has not been reported in the literature in individuals affected with DICER1-related conditions. Advanced modeling of protein sequence and biophysical properties (such as structural, functional, and spatial information, amino acid conservation, physicochemical variation, residue mobility, and thermodynamic stability) performed at Invitae indicates that this missense variant is not expected to disrupt DICER1 protein function. In summary, the available evidence is currently insufficient to determine the role of this variant in disease. Therefore, it has been classified as a Variant of Uncertain Significance.

NM_177438.3(DICER1):c.619G>C (p.Ala207Pro)

Gene: DICER1 (dicer 1, ribonuclease III; minus strand). Cytogenetic location: 14q32.13.
Variant type: single nucleotide variant.
Coding change: c.619G>C on transcript NM_177438.3 (MANE Select); coding-DNA position 619, G replaced by C.
Protein change: p.Ala207Pro; replaces alanine 207 with proline.
Molecular consequence: missense variant. On other transcripts: 5 prime UTR variant (1), non-coding transcript variant (6).
Genome position (GRCh38, 1-based): chr14:95,129,587, C>G on the plus strand (G>C on the coding strand, the complement: DICER1 is on the minus strand). VCF-style: chr14-95129587-C-G. GRCh37 (hg19) VCF-style: chr14-95595924-C-G.
Other names: c.619G>C, p.Ala207Pro (NM_001195573.1, NM_001271282.3, NM_001291628.2 and 15 more transcripts); c.337G>C, p.Ala113Pro (NM_001395686.1); c.214G>C, p.Ala72Pro (NM_001395687.1, NM_001395688.1, NM_001395689.1 and 3 more transcripts); c.52G>C, p.Ala18Pro (NM_001395691.1); c.-950G>C (NM_001395697.1); short protein forms A18P, A113P, A207P, A72P.
Identifiers: ClinVar variation 2856472 (VCV002856472.3), dbSNP rs2140261084, ClinGen allele CA390888216.